The following is an entry in ClinVar:

ClinVar aggregate classification (germline): Likely benign (1 of 4 stars; one submission).

Submission:

GeneDx
Classification: Likely benign. Last evaluated: 2017-08-14. Review status: criteria provided, single submitter. Criteria: GeneDx Variant Classification (06012015). Collection method: clinical testing. Allele origin: germline. Affected: yes.
Comment: This variant is considered likely benign or benign based on one or more of the following criteria: it is a conservative change, it occurs at a poorly conserved position in the protein, it is predicted to be benign by multiple in silico algorithms, and/or has population frequency not consistent with disease.

NM_001371727.1(GABRB2):c.171T>C (p.Gly57=)

Gene: GABRB2 (gamma-aminobutyric acid type A receptor subunit beta2; minus strand). Cytogenetic location: 5q34.
Variant type: single nucleotide variant.
Coding change: c.171T>C on transcript NM_001371727.1 (MANE Select); coding-DNA position 171, T replaced by C.
Protein change: p.Gly57=; no amino-acid change (glycine 57 retained).
Molecular consequence: synonymous variant.
Genome position (GRCh38, 1-based): chr5:161,545,293, A>G on the plus strand (T>C on the coding strand, the complement: GABRB2 is on the minus strand). VCF-style: chr5-161545293-A-G. GRCh37 (hg19) VCF-style: chr5-160972299-A-G.
Other names: c.171T>C, p.Gly57= (NM_000813.3, NM_021911.3).
Identifiers: ClinVar variation 511440 (VCV000511440.1), dbSNP rs1554107757, ClinGen allele CA447605064.